The following is an entry in ClinVar:

ClinVar aggregate classification (germline): Uncertain significance. Review status: criteria provided, multiple submitters, no conflicts (2 of 4 stars). 4 submissions from 3 submitters: Uncertain significance (4). Last evaluated 2025-02-02.

Conditions:
Autosomal dominant nocturnal frontal lobe epilepsy 5. Also called: KCNT1-Related Epilepsy; CILIARY DYSKINESIA, PRIMARY, 28, WITHOUT SITUS INVERSUS; CILIARY DYSKINESIA, PRIMARY, 28, WITH SITUS INVERSUS; Epilepsy, nocturnal frontal lobe, 5. Identifiers: Orphanet 98784, MedGen C3554306, MONDO:0014002, OMIM 615005.
Developmental and epileptic encephalopathy, 14 (DEE14). Also called: Early infantile epileptic encephalopathy 14. Identifiers: Orphanet 293181, MedGen C3554195, MONDO:0013989, OMIM 614959.

Allele frequency attached by ClinVar (database versions not stated): gnomAD 0.00001; gnomAD exomes 0.00001; TOPMed 0.00001.
gnomAD v4.1: 9 of 1,613,466 alleles (0.00056%); highest among the groups gnomAD compares: East Asian, 0.0022%; no homozygotes.

Submissions (4):

Labcorp Genetics (formerly Invitae), Labcorp
Classification: Uncertain significance for Autosomal dominant nocturnal frontal lobe epilepsy 5; Developmental and epileptic encephalopathy, 14. Last evaluated: 2025-02-02. Review status: criteria provided, single submitter. Criteria: Invitae Variant Classification Sherloc (09022015). Collection method: clinical testing. Allele origin: germline.
Comment: This sequence change replaces arginine, which is basic and polar, with tryptophan, which is neutral and slightly polar, at codon 910 of the KCNT1 protein (p.Arg910Trp). This variant is present in population databases (no rsID available, gnomAD 0.006%). This variant has not been reported in the literature in individuals affected with KCNT1-related conditions. ClinVar contains an entry for this variant (Variation ID: 1009174). An algorithm developed to predict the effect of missense changes on protein structure and function (PolyPhen-2) suggests that this variant is likely to be disruptive. In summary, the available evidence is currently insufficient to determine the role of this variant in disease. Therefore, it has been classified as a Variant of Uncertain Significance.

Genome-Nilou Lab
Classification: Uncertain significance for Developmental and epileptic encephalopathy, 14. Last evaluated: 2022-03-15. Review status: criteria provided, single submitter. Criteria: ACMG Guidelines, 2015. Collection method: clinical testing. Allele origin: germline. Affected: no.

Genome-Nilou Lab
Classification: Uncertain significance for Autosomal dominant nocturnal frontal lobe epilepsy 5. Last evaluated: 2022-03-15. Review status: criteria provided, single submitter. Criteria: ACMG Guidelines, 2015. Collection method: clinical testing. Allele origin: germline. Affected: no.

Baylor Genetics
Classification: Uncertain significance for Autosomal dominant nocturnal frontal lobe epilepsy 5. Last evaluated: 2019-08-22. Review status: criteria provided, single submitter. Criteria: ACMG Guidelines, 2015. Collection method: clinical testing. Allele origin: unknown. Affected: yes.
Comment: This variant was determined to be of uncertain significance according to ACMG Guidelines, 2015 [PMID:25741868].

NM_020822.3(KCNT1):c.2728C>T (p.Arg910Trp)

Gene: KCNT1 (potassium sodium-activated channel subfamily T member 1; plus strand). Cytogenetic location: 9q34.3.
Variant type: single nucleotide variant.
Coding change: c.2728C>T on transcript NM_020822.3 (MANE Select); coding-DNA position 2728, C replaced by T.
Protein change: p.Arg910Trp; replaces arginine 910 with tryptophan.
Molecular consequence: missense variant.
Genome position (GRCh38, 1-based): chr9:135,778,821, C>T. VCF-style: chr9-135778821-C-T. GRCh37 (hg19) VCF-style: chr9-138670667-C-T.
Other names: c.2593C>T, p.Arg865Trp (NM_001272003.2); short protein forms R865W, R910W.
Identifiers: ClinVar variation 1009174 (VCV001009174.11), dbSNP rs1249219901, ClinGen allele CA375515376.